The following is an entry in ClinVar:

NM_000143.4(FH):c.556-1290T>G

Gene: FH (fumarate hydratase; minus strand). Cytogenetic location: 1q43.
Variant type: single nucleotide variant.
Coding change: c.556-1290T>G on transcript NM_000143.4 (MANE Select); 1290 bases into the intron before coding-DNA position 556, T replaced by G.
Molecular consequence: intron variant.
Genome position (GRCh38, 1-based): chr1:241,510,075, A>C on the plus strand (T>G on the coding strand, the complement: FH is on the minus strand). VCF-style: chr1-241510075-A-C. GRCh37 (hg19) VCF-style: chr1-241673375-A-C.
Identifiers: ClinVar variation 4257341 (VCV004257341.1).

ClinVar aggregate classification (germline): Uncertain significance (1 of 4 stars; one submission).

Conditions:
Hereditary cancer-predisposing syndrome. Also called: Hereditary Cancer Syndrome; Hereditary neoplastic syndrome; Neoplastic Syndromes, Hereditary; Tumor predisposition. Identifiers: Orphanet 140162, MedGen C0027672, MeSH D009386, MONDO:0015356.

Submission:

Ambry Genetics
Classification: Uncertain significance for Hereditary cancer-predisposing syndrome. Last evaluated: 2025-07-16. Review status: criteria provided, single submitter. Criteria: Ambry Variant Classification Scheme 2023. Collection method: clinical testing. Allele origin: germline.
Comment: The c.556-1290T>G intronic variant results from a T to G substitution 1290 nucleotides upstream from coding exon 5 in the FH gene. This nucleotide position is well conserved in available vertebrate species. In silico splice site analysis predicts that this alteration may result in the creation or strengthening of a novel splice acceptor site. RNA studies have demonstrated that this alteration results in a transcript predicted to lead to a protein with an in-frame insertion of 13 amino acids; however, the exact functional impact of the inserted/deleted amino acids is unknown at this time (Ambry internal data). Based on the available evidence, the clinical significance of this variant remains unclear.